The following is an entry in ClinVar:

NM_032242.4(PLXNA1):c.3033C>T (p.Ile1011=)

Gene: PLXNA1 (plexin A1; plus strand). Cytogenetic location: 3q21.3.
Variant type: single nucleotide variant.
Coding change: c.3033C>T on transcript NM_032242.4 (MANE Select); coding-DNA position 3033, C replaced by T.
Protein change: p.Ile1011=; no amino-acid change (isoleucine 1011 retained).
Molecular consequence: synonymous variant.
Genome position (GRCh38, 1-based): chr3:127,016,535, C>T. VCF-style: chr3-127016535-C-T. GRCh37 (hg19) VCF-style: chr3-126735378-C-T.
Identifiers: ClinVar variation 4996969 (VCV004996969.1).

ClinVar aggregate classification (germline): Likely benign (1 of 4 stars; one submission).

Conditions:
PLXNA1-related disorder. Also called: PLXNA1-related condition.

Submission:

PreventionGenetics, part of Exact Sciences
Classification: Likely benign for PLXNA1-related condition. Last evaluated: 2025-02-20. Review status: criteria provided, single submitter. Criteria: ACMG Guidelines, 2015. Collection method: clinical testing. Allele origin: germline.
Comment: This variant is classified as likely benign based on ACMG/AMP sequence variant interpretation guidelines (Richards et al. 2015 PMID: 25741868, with internal and published modifications).